The following is an entry in ClinVar:

NM_003748.4(ALDH4A1):c.*702C>T

Gene: ALDH4A1 (aldehyde dehydrogenase 4 family member A1; minus strand). Cytogenetic location: 1p36.13.
Variant type: single nucleotide variant.
Coding change: c.*702C>T on transcript NM_003748.4 (MANE Select); 702 bases downstream of the stop codon, C replaced by T.
Molecular consequence: 3 prime UTR variant. On other transcripts: intron variant (1).
Genome position (GRCh38, 1-based): chr1:18,872,143, G>A on the plus strand (C>T on the coding strand, the complement: ALDH4A1 is on the minus strand). VCF-style: chr1-18872143-G-A. GRCh37 (hg19) VCF-style: chr1-19198637-G-A.
Other names: c.*702C>T (NM_001161504.2, NM_001319218.2); c.*42-353C>T (NM_170726.3).
Identifiers: ClinVar variation 294347 (VCV000294347.6), dbSNP rs3202002, ClinGen allele CA10609116.

ClinVar aggregate classification (germline): Benign. Review status: criteria provided, multiple submitters, no conflicts (2 of 4 stars). 2 submissions from 2 submitters: Benign (2). Last evaluated 2018-01-13.

Conditions:
Hyperprolinemia type 2 (HYRPRO2). Also called: 1-PYRROLINE-5-CARBOXYLATE DEHYDROGENASE DEFICIENCY; Deficiency of pyrroline-5-carboxylate reductase; Delta-1-pyrroline-5-carboxylate dehydrogenase deficiency. Identifiers: Orphanet 79101, MedGen C2931835, MONDO:0009401, OMIM 239510.

Allele frequency attached by ClinVar (database versions not stated): gnomAD 0.38569 and 0.39798; TOPMed 0.39816; gnomAD exomes 0.44245; 1000 Genomes Project 30x 0.46565; 1000 Genomes Project 0.47444.
gnomAD v4.1: 60,767 of 152,480 alleles (40%); highest among the groups gnomAD compares: East Asian, 68%; 13,063 homozygotes.

Submissions (2):

Illumina Laboratory Services, Illumina
Classification: Benign for Hyperprolinemia type 2. Last evaluated: 2018-01-13. Review status: criteria provided, single submitter. Criteria: ICSL Variant Classification Criteria 13 December 2019. Collection method: clinical testing. Allele origin: germline.
Comment: This variant was observed in the ICSL laboratory as part of a predisposition screen in an ostensibly healthy population. It had not been previously curated by ICSL or reported in the Human Gene Mutation Database (HGMD: prior to June 1st, 2018), and was therefore a candidate for classification through an automated scoring system. Utilizing variant allele frequency, disease prevalence and penetrance estimates, and inheritance mode, an automated score was calculated to assess if this variant is too frequent to cause the disease. Based on the score and internal cut-off values, a variant classified as benign is not then subjected to further curation. The score for this variant resulted in a classification of benign for this disease.

Breakthrough Genomics
Classification: Benign. Review status: criteria provided, single submitter. Criteria: ACMG Guidelines, 2015. Collection method: not provided. Allele origin: germline. Inheritance: Autosomal recessive inheritance. Affected: yes.